The following is an entry in ClinVar:

ClinVar aggregate classification (germline): Uncertain significance (1 of 4 stars; one submission).

Conditions:
GNE myopathy (NM). Also called: INCLUSION BODY MYOPATHY, HEREDITARY, AUTOSOMAL RECESSIVE; INCLUSION BODY MYOPATHY 2, AUTOSOMAL RECESSIVE; IBM 2; Inclusion body myopathy autosomal recessive; Inclusion body myopathy quadriceps sparing; NONAKA DISTAL MYOPATHY. Identifiers: Orphanet 602, MedGen C1853926, MONDO:0011603, OMIM 605820.
Sialuria. Also called: SIALURIA, FRENCH TYPE; Sialic Acid Storage Disease. Identifiers: Orphanet 3166, MedGen C0342853, MONDO:0010028, OMIM 269921.

Allele frequency attached by ClinVar (database versions not stated): gnomAD exomes below 0.00001; ExAC 0.00001.
gnomAD v4.1: 1 of 1,592,510 alleles (0.000063%); highest among the groups gnomAD compares: Admixed American, 0.0017%; no homozygotes.

Submission:

Labcorp Genetics (formerly Invitae), Labcorp
Classification: Uncertain significance for Sialuria; GNE myopathy. Last evaluated: 2023-11-14. Review status: criteria provided, single submitter. Criteria: Invitae Variant Classification Sherloc (09022015). Collection method: clinical testing. Allele origin: germline.
Comment: This sequence change falls in intron 1 of the GNE gene. It does not directly change the encoded amino acid sequence of the GNE protein. It affects a nucleotide within the consensus splice site. This variant is present in population databases (rs764657091, gnomAD 0.003%). This variant has not been reported in the literature in individuals affected with GNE-related conditions. ClinVar contains an entry for this variant (Variation ID: 569623). Variants that disrupt the consensus splice site are a relatively common cause of aberrant splicing (PMID: 17576681, 9536098). Algorithms developed to predict the effect of sequence changes on RNA splicing suggest that this variant is not likely to affect RNA splicing. In summary, the available evidence is currently insufficient to determine the role of this variant in disease. Therefore, it has been classified as a Variant of Uncertain Significance.

Literature cited by the submitters: PubMed 17576681; PubMed 9536098.

NM_005476.7(GNE):c.-42-3C>T

Gene: GNE (glucosamine (UDP-N-acetyl)-2-epimerase/N-acetylmannosamine kinase; minus strand). Cytogenetic location: 9p13.3.
Variant type: single nucleotide variant.
Coding change: c.-42-3C>T on transcript NM_005476.7 (MANE Select); 3 bases into the intron before 42 bases upstream of the start codon, C replaced by T.
Molecular consequence: intron variant.
Genome position (GRCh38, 1-based): chr9:36,249,400, G>A on the plus strand (C>T on the coding strand, the complement: GNE is on the minus strand). VCF-style: chr9-36249400-G-A. GRCh37 (hg19) VCF-style: chr9-36249397-G-A.
Other names: c.-13-2918C>T (NM_001190388.2, NM_001190384.3, NM_001374798.1); c.52-3C>T (NM_001128227.3); c.-42-3C>T (NM_001374797.1, NM_001190383.3).
Identifiers: ClinVar variation 569623 (VCV000569623.10), dbSNP rs764657091, ClinGen allele CA5056788.